The following is an entry in ClinVar:

NM_002529.4(NTRK1):c.200del (p.Asn67fs)

Gene: NTRK1 (neurotrophic receptor tyrosine kinase 1; plus strand). Cytogenetic location: 1q23.1.
Variant type: Deletion.
Coding change: c.200del on transcript NM_002529.4 (MANE Select); coding-DNA position 200, one base deleted (A; older notation c.200delA).
Protein change: p.Asn67fs; shifts the reading frame from asparagine 67.
Molecular consequence: frameshift variant. On other transcripts: intron variant (1).
Genome position (GRCh38, 1-based): chr1:156,861,134, A deleted; the last of 2 consecutive A bases (chr1:156,861,133-156,861,134); deleting either gives the same sequence. VCF-style (leftmost placement, unchanged base first): chr1-156861132-GA-G. GRCh37 (hg19) VCF-style: chr1-156830924-GA-G.
Other names: c.200delA, p.Asn67Thrfs (NM_001007204.1); c.200del, p.Asn67fs (NM_001012331.2); c.123-3220del (NM_001007792.1); short protein forms N67fs.
Identifiers: ClinVar variation 2734003 (VCV002734003.3), dbSNP rs2525558964, ClinGen allele CA2586964203.

ClinVar aggregate classification (germline): Pathogenic (1 of 4 stars; one submission).

Conditions:
Hereditary insensitivity to pain with anhidrosis (CIPA). Also called: INSENSITIVITY TO PAIN, CONGENITAL, WITH ANHIDROSIS; HSAN Type IV; NTRK1 Congenital Insensitivity to Pain with Anhidrosis; FAMILIAL DYSAUTONOMIA, TYPE II; hereditary sensory and autonomic neuropathy type 4; NEUROPATHY, CONGENITAL SENSORY, WITH ANHIDROSIS. Identifiers: Orphanet 642, MedGen C0020074, MONDO:0009746, OMIM 256800.

Submission:

Labcorp Genetics (formerly Invitae), Labcorp
Classification: Pathogenic for Hereditary insensitivity to pain with anhidrosis. Last evaluated: 2023-11-15. Review status: criteria provided, single submitter. Criteria: Invitae Variant Classification Sherloc (09022015). Collection method: clinical testing. Allele origin: germline.
Comment: This sequence change creates a premature translational stop signal (p.Asn67Thrfs*2) in the NTRK1 gene. It is expected to result in an absent or disrupted protein product. Loss-of-function variants in NTRK1 are known to be pathogenic (PMID: 10982191). This variant is not present in population databases (gnomAD no frequency). This premature translational stop signal has been observed in individual(s) with congenital insensitivity to pain (PMID: 10330344). This variant is also known as 284delA, Asn67fr. For these reasons, this variant has been classified as Pathogenic.

Literature cited by the submitters: PubMed 10982191; PubMed 10330344.